The following is an entry in ClinVar:

ClinVar aggregate classification (germline): Uncertain significance (1 of 4 stars; one submission).

Submission:

Labcorp Genetics (formerly Invitae), Labcorp
Classification: Uncertain significance. Last evaluated: 2022-10-16. Review status: criteria provided, single submitter. Criteria: Invitae Variant Classification Sherloc (09022015). Collection method: clinical testing. Allele origin: germline.
Comment: In summary, the available evidence is currently insufficient to determine the role of this variant in disease. Therefore, it has been classified as a Variant of Uncertain Significance. Algorithms developed to predict the effect of missense changes on protein structure and function are either unavailable or do not agree on the potential impact of this missense change (SIFT: "Deleterious"; PolyPhen-2: "Benign"; Align-GVGD: "Class C0"). This variant has not been reported in the literature in individuals affected with RP1-related conditions. This variant is not present in population databases (gnomAD no frequency). This sequence change replaces glutamic acid, which is acidic and polar, with glycine, which is neutral and non-polar, at codon 1526 of the RP1 protein (p.Glu1526Gly).

NM_006269.2(RP1):c.4577A>G (p.Glu1526Gly)

Gene: RP1 (RP1 axonemal microtubule associated; plus strand). Cytogenetic location: 8q12.1.
Variant type: single nucleotide variant.
Coding change: c.4577A>G on transcript NM_006269.2 (MANE Select); coding-DNA position 4577, A replaced by G.
Protein change: p.Glu1526Gly; replaces glutamic acid 1526 with glycine.
Molecular consequence: missense variant. On other transcripts: intron variant (1).
Genome position (GRCh38, 1-based): chr8:54,628,459, A>G. VCF-style: chr8-54628459-A-G. GRCh37 (hg19) VCF-style: chr8-55541019-A-G.
Other names: c.787+6171A>G (NM_001375654.1); short protein forms E1526G.
Identifiers: ClinVar variation 2014892 (VCV002014892.4), dbSNP rs2536585124, ClinGen allele CA370982712.